The following is an entry in ClinVar:

ClinVar aggregate classification (germline): Uncertain significance (1 of 4 stars; one submission).

Allele frequency attached by ClinVar (database versions not stated): ExAC 0.00001; TOPMed 0.00002; gnomAD 0.00003; gnomAD exomes 0.00004.
gnomAD v4.1: 54 of 1,611,350 alleles (0.0034%); highest among the groups gnomAD compares: Non-Finnish European, 0.0044%; no homozygotes.

Submission:

Labcorp Genetics (formerly Invitae), Labcorp
Classification: Uncertain significance. Last evaluated: 2025-04-14. Review status: criteria provided, single submitter. Criteria: Invitae Variant Classification Sherloc (09022015). Collection method: clinical testing. Allele origin: germline.
Comment: This sequence change affects an acceptor splice site in intron 33 of the TOP2B gene. It is expected to disrupt RNA splicing. Variants that disrupt the donor or acceptor splice site typically lead to a loss of protein function (PMID: 16199547), however the current clinical and genetic evidence is not sufficient to establish whether loss-of-function variants in TOP2B cause disease. This variant is present in population databases (rs767221768, gnomAD 0.008%). This variant has not been reported in the literature in individuals affected with TOP2B-related conditions. ClinVar contains an entry for this variant (Variation ID: 3010267). Algorithms developed to predict the effect of sequence changes on RNA splicing suggest that this variant may disrupt the consensus splice site. In summary, the available evidence is currently insufficient to determine the role of this variant in disease. Therefore, it has been classified as a Variant of Uncertain Significance.

Literature cited by the submitters: PubMed 16199547.

NM_001330700.2(TOP2B):c.4490-1G>A

Gene: TOP2B (DNA topoisomerase II beta; minus strand). Cytogenetic location: 3p24.2.
Variant type: single nucleotide variant.
Coding change: c.4490-1G>A on transcript NM_001330700.2 (MANE Select); the canonical splice acceptor site of the intron before coding-DNA position 4490, G replaced by A.
Molecular consequence: splice acceptor variant.
Genome position (GRCh38, 1-based): chr3:25,601,226, C>T on the plus strand (G>A on the coding strand, the complement: TOP2B is on the minus strand). VCF-style: chr3-25601226-C-T. GRCh37 (hg19) VCF-style: chr3-25642717-C-T.
Other names: c.4475-1G>A (NM_001068.3).
Identifiers: ClinVar variation 3010267 (VCV003010267.3), dbSNP rs767221768, ClinGen allele CA2288080.